The following is an entry in ClinVar:

NM_000384.3(APOB):c.9218A>G (p.Asn3073Ser)

Gene: APOB (apolipoprotein B; minus strand). Cytogenetic location: 2p24.1.
Variant type: single nucleotide variant.
Coding change: c.9218A>G on transcript NM_000384.3 (MANE Select); coding-DNA position 9218, A replaced by G.
Protein change: p.Asn3073Ser; replaces asparagine 3073 with serine.
Molecular consequence: missense variant.
Genome position (GRCh38, 1-based): chr2:21,007,650, T>C on the plus strand (A>G on the coding strand, the complement: APOB is on the minus strand). VCF-style: chr2-21007650-T-C. GRCh37 (hg19) VCF-style: chr2-21230522-T-C.
Other names: short protein forms N3073S.
Identifiers: ClinVar variation 5027192 (VCV005027192.1).

ClinVar aggregate classification (germline): Uncertain significance (1 of 4 stars; one submission).

Conditions:
Cardiovascular phenotype. Identifiers: MedGen CN230736.

Submission:

Ambry Genetics
Classification: Uncertain significance for Cardiovascular phenotype. Last evaluated: 2026-07-02. Review status: criteria provided, single submitter. Criteria: Ambry Variant Classification Scheme 2023. Collection method: clinical testing. Allele origin: germline.
Comment: The p.N3073S variant (also known as c.9218A>G), located in coding exon 26 of the APOB gene, results from an A to G substitution at nucleotide position 9218. The asparagine at codon 3073 is replaced by serine, an amino acid with highly similar properties. This amino acid position is conserved. In addition, this alteration is predicted to be tolerated by in silico analysis. Based on the available evidence, the clinical significance of this variant remains unclear.